The following is an entry in ClinVar:

ClinVar aggregate classification (germline): Likely benign. Review status: criteria provided, multiple submitters, no conflicts (2 of 4 stars). 2 submissions from 2 submitters: Likely benign (2). Last evaluated 2018-01-13.

Conditions:
Mannose-binding lectin deficiency. Also called: LECTIN COMPLEMENT ACTIVATION PATHWAY, DEFECT IN, 1; MBP DEFICIENCY; MBL DEFICIENCY; MBL2 DEFICIENCY; Chronic infections, due to MBL deficiency. Identifiers: MedGen C3280586, MONDO:0013714, OMIM 614372.

Allele frequency attached by ClinVar (database versions not stated): gnomAD 0.33130 and 0.32397; TOPMed 0.33568; 1000 Genomes Project 0.33886; 1000 Genomes Project 30x 0.34650.

Submissions (2):

Illumina Laboratory Services, Illumina
Classification: Likely benign for Mannose-binding lectin deficiency. Last evaluated: 2018-01-13. Review status: criteria provided, single submitter. Criteria: ICSL Variant Classification Criteria 13 December 2019. Collection method: clinical testing. Allele origin: germline.
Comment: This variant was observed in the ICSL laboratory as part of a predisposition screen in an ostensibly healthy population. It had not been previously curated by ICSL or reported in the Human Gene Mutation Database (HGMD: prior to June 1st, 2018), and was therefore a candidate for classification through an automated scoring system. Utilizing variant allele frequency, disease prevalence and penetrance estimates, and inheritance mode, an automated score was calculated to assess if this variant is too frequent to cause the disease. Based on the score and internal cut-off values, a variant classified as likely benign is not then subjected to further curation. The score for this variant resulted in a classification of likely benign for this disease.

Breakthrough Genomics
Classification: Likely benign. Review status: criteria provided, single submitter. Criteria: ACMG Guidelines, 2015. Collection method: not provided. Allele origin: germline. Inheritance: Autosomal dominant inheritance. Affected: yes.

NM_001378373.1(MBL2):c.*2388T>G

Gene: MBL2 (mannose binding lectin 2; minus strand). Cytogenetic location: 10q21.1.
Variant type: single nucleotide variant.
Coding change: c.*2388T>G on transcript NM_001378373.1 (MANE Select); 2388 bases downstream of the stop codon, T replaced by G.
Molecular consequence: 3 prime UTR variant.
Genome position (GRCh38, 1-based): chr10:52,765,749, A>C on the plus strand (T>G on the coding strand, the complement: MBL2 is on the minus strand). VCF-style: chr10-52765749-A-C. GRCh37 (hg19) VCF-style: chr10-54525509-A-C.
Other names: c.*2388T>G (NM_000242.3, NM_001378374.1).
Identifiers: ClinVar variation 300109 (VCV000300109.6), dbSNP rs2506, ClinGen allele CA10635444.